The following is an entry in ClinVar:

NM_024642.5(GALNT12):c.1703A>T (p.Asn568Ile)

Gene: GALNT12 (polypeptide N-acetylgalactosaminyltransferase 12; plus strand). Cytogenetic location: 9q22.33.
Variant type: single nucleotide variant.
Coding change: c.1703A>T on transcript NM_024642.5 (MANE Select); coding-DNA position 1703, A replaced by T.
Protein change: p.Asn568Ile; replaces asparagine 568 with isoleucine.
Molecular consequence: missense variant.
Genome position (GRCh38, 1-based): chr9:98,849,049, A>T. VCF-style: chr9-98849049-A-T. GRCh37 (hg19) VCF-style: chr9-101611331-A-T.
Other names: short protein forms N568I.
Identifiers: ClinVar variation 1778388 (VCV001778388.3), dbSNP rs749874941, ClinGen allele CA374223247.

ClinVar aggregate classification (germline): Uncertain significance (1 of 4 stars; one submission).

Submission:

Ambry Genetics
Classification: Uncertain significance. Last evaluated: 2024-10-25. Review status: criteria provided, single submitter. Criteria: Ambry Variant Classification Scheme 2023. Collection method: clinical testing. Allele origin: germline.
Comment: The p.N568I variant (also known as c.1703A>T), located in coding exon 10 of the GALNT12 gene, results from an A to T substitution at nucleotide position 1703. The asparagine at codon 568 is replaced by isoleucine, an amino acid with dissimilar properties. This amino acid position is conserved. In addition, this alteration is predicted to be tolerated by in silico analysis. Since supporting evidence is limited at this time, the clinical significance of this alteration remains unclear.